The following is an entry in ClinVar:

NM_004329.3(BMPR1A):c.*764T>C

Gene: BMPR1A (bone morphogenetic protein receptor type 1A; plus strand). Cytogenetic location: 10q23.2.
Variant type: single nucleotide variant.
Coding change: c.*764T>C on transcript NM_004329.3 (MANE Select); 764 bases downstream of the stop codon, T replaced by C.
Molecular consequence: 3 prime UTR variant.
Genome position (GRCh38, 1-based): chr10:86,924,483, T>C. VCF-style: chr10-86924483-T-C. GRCh37 (hg19) VCF-style: chr10-88684240-T-C.
Identifiers: ClinVar variation 301364 (VCV000301364.6), dbSNP rs150762162, ClinGen allele CA10636336.

ClinVar aggregate classification (germline): Likely benign. Review status: criteria provided, multiple submitters, no conflicts (2 of 4 stars). 2 submissions from 2 submitters: Likely benign (2). Last evaluated 2018-01-19.

Conditions:
Generalized juvenile polyposis/juvenile polyposis coli. Also called: Juvenile polyposis coli. Identifiers: Orphanet 329971, MedGen C1868081, MONDO:0008276.

Allele frequency attached by ClinVar (database versions not stated): 1000 Genomes Project 0.04054; gnomAD exomes 0.05737; gnomAD 0.06254 and 0.06062; 1000 Genomes Project 30x 0.03904.
gnomAD v4.1: 14,037 of 233,510 alleles (6%); highest among the groups gnomAD compares: Non-Finnish European, 7.8%; 527 homozygotes.

Submissions (2):

Illumina Laboratory Services, Illumina
Classification: Likely benign for Juvenile polyposis syndrome. Last evaluated: 2018-01-19. Review status: criteria provided, single submitter. Criteria: ICSL Variant Classification Criteria 13 December 2019. Collection method: clinical testing. Allele origin: germline.
Comment: This variant was observed as part of a predisposition screen in an ostensibly healthy population. A literature search was performed for the gene, cDNA change, and amino acid change (where applicable). No publications were found based on this search. Allele frequency data from public databases allowed determination this variant is unlikely to cause disease. Therefore, this variant is classified as likely benign.

Breakthrough Genomics
Classification: Likely benign. Review status: criteria provided, single submitter. Criteria: ACMG Guidelines, 2015. Collection method: not provided. Allele origin: germline. Inheritance: Autosomal dominant inheritance. Affected: yes.